The following is an entry in ClinVar:

NM_004360.5(CDH1):c.1737G>A (p.Gly579=)

Gene: CDH1 (cadherin 1; plus strand). Cytogenetic location: 16q22.1.
Variant type: single nucleotide variant.
Coding change: c.1737G>A on transcript NM_004360.5 (MANE Select); coding-DNA position 1737, G replaced by A.
Protein change: p.Gly579=; no amino-acid change (glycine 579 retained).
Molecular consequence: synonymous variant. On other transcripts: 5 prime UTR variant (1).
Genome position (GRCh38, 1-based): chr16:68,822,026, G>A. VCF-style: chr16-68822026-G-A. GRCh37 (hg19) VCF-style: chr16-68855929-G-A.
Other names: c.1554G>A, p.Gly518= (NM_001317184.2); c.189G>A, p.Gly63= (NM_001317185.2); c.-229G>A (NM_001317186.2).
Identifiers: ClinVar variation 3379293 (VCV003379293.2).
Genomic context (GRCh38, chr16:68,822,026, plus strand): 5'-CCAAGCTGCCACATTTTCTGTGTATTTTCTCTTAGGTTCTCCAGTTGCTACTGGAACAGG[G>A]ACACTTCTGCTGATCCTGTCTGATGTGAATGACAACGCCCCCATACCAGAACCTCGAACT-3'
Protein context (NP_004351.1, residues 569-589): DNGSPVATGT[Gly579=]TLLLILSDVN

ClinVar aggregate classification (germline): Benign/Likely benign. Review status: criteria provided, multiple submitters, no conflicts (2 of 4 stars). 2 submissions from 2 submitters: Benign (1); Likely benign (1). Last evaluated 2025-05-29.

Conditions:
Hereditary cancer-predisposing syndrome. Also called: Hereditary Cancer Syndrome; Tumor predisposition; Hereditary neoplastic syndrome; Neoplastic Syndromes, Hereditary. Identifiers: Orphanet 140162, MedGen C0027672, MeSH D009386, MONDO:0015356.
Hereditary diffuse gastric adenocarcinoma (HDGC). Also called: DIFFUSE GASTRIC AND LOBULAR BREAST CANCER SYNDROME. Identifiers: Orphanet 26106, MedGen C1708349, MONDO:0007648, OMIM 137215.

Submissions (2):

Ambry Genetics
Classification: Likely benign for Hereditary cancer-predisposing syndrome. Last evaluated: 2025-05-29. Review status: criteria provided, single submitter. Criteria: Ambry Variant Classification Scheme 2023. Collection method: clinical testing. Allele origin: germline.

Myriad Genetics, Inc.
Classification: Benign for Hereditary diffuse gastric adenocarcinoma. Last evaluated: 2024-09-19. Review status: criteria provided, single submitter. Criteria: Myriad Autosomal Dominant, Autosomal Recessive and X-Linked Classification Criteria (2023). Collection method: clinical testing. Allele origin: unknown.
Comment: This variant is considered benign. This variant is a silent/synonymous amino acid change and it is not expected to impact splicing.